The following is an entry in ClinVar:

ClinVar aggregate classification (germline): Uncertain significance. Review status: criteria provided, multiple submitters, no conflicts (2 of 4 stars). 2 submissions from 2 submitters: Uncertain significance (2). Last evaluated 2024-07-02.

Conditions:
Hereditary cancer-predisposing syndrome. Also called: Neoplastic Syndromes, Hereditary; Tumor predisposition; Hereditary Cancer Syndrome; Hereditary neoplastic syndrome. Identifiers: Orphanet 140162, MedGen C0027672, MeSH D009386, MONDO:0015356.
Familial adenomatous polyposis 1 (FAP1). Also called: FAMILIAL ADENOMATOUS POLYPOSIS 1, ATTENUATED; POLYPOSIS, ADENOMATOUS INTESTINAL. Identifiers: MedGen C2713442, MONDO:0021056, OMIM 175100. Disease mechanism: loss of function.

gnomAD v4.1: 1 of 1,614,172 alleles (0.000062%); no homozygotes.

Submissions (2):

Ambry Genetics
Classification: Uncertain significance for Hereditary cancer-predisposing syndrome. Last evaluated: 2024-07-02. Review status: criteria provided, single submitter. Criteria: Ambry Variant Classification Scheme 2023. Collection method: clinical testing. Allele origin: germline.
Comment: The p.D849G variant (also known as c.2546A>G), located in coding exon 15 of the APC gene, results from an A to G substitution at nucleotide position 2546. The aspartic acid at codon 849 is replaced by glycine, an amino acid with similar properties. This amino acid position is highly conserved in available vertebrate species. In addition, in silico predictors for this gene do not accurately predict pathogenicity. Since supporting evidence is limited at this time, the clinical significance of this alteration remains unclear.

Labcorp Genetics (formerly Invitae), Labcorp
Classification: Uncertain significance for Familial adenomatous polyposis 1. Last evaluated: 2024-02-07. Review status: criteria provided, single submitter. Criteria: Invitae Variant Classification Sherloc (09022015). Collection method: clinical testing. Allele origin: germline.
Comment: This sequence change replaces aspartic acid, which is acidic and polar, with glycine, which is neutral and non-polar, at codon 849 of the APC protein (p.Asp849Gly). This variant is not present in population databases (gnomAD no frequency). This variant has not been reported in the literature in individuals affected with APC-related conditions. ClinVar contains an entry for this variant (Variation ID: 233768). Advanced modeling of protein sequence and biophysical properties (such as structural, functional, and spatial information, amino acid conservation, physicochemical variation, residue mobility, and thermodynamic stability) performed at Invitae indicates that this missense variant is not expected to disrupt APC protein function with a negative predictive value of 95%. In summary, the available evidence is currently insufficient to determine the role of this variant in disease. Therefore, it has been classified as a Variant of Uncertain Significance.

NM_000038.6(APC):c.2546A>G (p.Asp849Gly)

Gene: APC (APC regulator of Wnt signaling pathway; plus strand). Cytogenetic location: 5q22.2.
Variant type: single nucleotide variant.
Coding change: c.2546A>G on transcript NM_000038.6 (MANE Select); coding-DNA position 2546, A replaced by G.
Protein change: p.Asp849Gly; replaces aspartic acid 849 with glycine.
Molecular consequence: missense variant.
Genome position (GRCh38, 1-based): chr5:112,838,140, A>G. VCF-style: chr5-112838140-A-G. GRCh37 (hg19) VCF-style: chr5-112173837-A-G.
Other names: c.2546A>G, p.Asp849Gly (NM_001127510.3, NM_001354895.2); c.2492A>G, p.Asp831Gly (NM_001127511.3); c.2600A>G, p.Asp867Gly (NM_001354896.2); c.2576A>G, p.Asp859Gly (NM_001354897.2); c.2471A>G, p.Asp824Gly (NM_001354898.2); c.2462A>G, p.Asp821Gly (NM_001354899.2); c.2423A>G, p.Asp808Gly (NM_001354900.2); c.2369A>G, p.Asp790Gly (NM_001354901.2); and 5 more; short protein forms D831G, D849G, D566G, D689G, D821G, D790G, D808G, D824G.
Identifiers: ClinVar variation 233768 (VCV000233768.15), dbSNP rs876660629, ClinGen allele CA10578340.